The following is an entry in ClinVar:

NM_177559.3(CSNK2A1):c.476C>A (p.Pro159His)

Gene: CSNK2A1 (casein kinase 2 alpha 1; minus strand). Cytogenetic location: 20p13.
Variant type: single nucleotide variant.
Coding change: c.476C>A on transcript NM_177559.3 (MANE Select); coding-DNA position 476, C replaced by A.
Protein change: p.Pro159His; replaces proline 159 with histidine.
Molecular consequence: missense variant.
Genome position (GRCh38, 1-based): chr20:495,753, G>T on the plus strand (C>A on the coding strand, the complement: CSNK2A1 is on the minus strand). VCF-style: chr20-495753-G-T. GRCh37 (hg19) VCF-style: chr20-476397-G-T.
Other names: c.476C>A, p.Pro159His (NM_001362770.2, NM_001362771.2, NM_001895.4); c.68C>A, p.Pro23His (NM_177560.3); short protein forms P159H, P23H.
Identifiers: ClinVar variation 1687506 (VCV001687506.1), dbSNP rs2122531965, ClinGen allele CA407933039.

ClinVar aggregate classification (germline): Uncertain significance (1 of 4 stars; one submission).

Conditions:
Okur-Chung neurodevelopmental syndrome (OCNDS). Identifiers: Orphanet 689422, MedGen C4310739, MONDO:0014893, OMIM 617062.

Submission:

3billion
Classification: Uncertain significance for Okur-Chung neurodevelopmental syndrome. Last evaluated: 2022-05-22. Review status: criteria provided, single submitter. Criteria: ACMG Guidelines, 2015. Collection method: clinical testing. Allele origin: germline. Affected: yes. Observed: 1 heterozygote.
Comment: The variant is not observed in the gnomAD v2.1.1 dataset. Missense changes are a common disease-causing mechanism. In silico tool predictions suggest damaging effect of the variant on gene or gene product (REVEL: 0.57; 3Cnet: 0.84). Therefore, this variant is classified as uncertain significanceaccording to the recommendation of ACMG/AMP guideline.